The following is an entry in ClinVar:

ClinVar aggregate classification (germline): Uncertain significance. Review status: criteria provided, multiple submitters, no conflicts (2 of 4 stars). 2 submissions from 2 submitters: Uncertain significance (2). Last evaluated 2025-05-14.

Allele frequency attached by ClinVar (database versions not stated): ESP Exome Variant Server 0.00008.
gnomAD v4.1: 180 of 1,613,640 alleles (0.011%); highest among the groups gnomAD compares: Non-Finnish European, 0.015%; no homozygotes.

Submissions (2):

Labcorp Genetics (formerly Invitae), Labcorp
Classification: Uncertain significance. Last evaluated: 2025-05-14. Review status: criteria provided, single submitter. Criteria: Invitae Variant Classification Sherloc (09022015). Collection method: clinical testing. Allele origin: germline.
Comment: This sequence change replaces glutamic acid, which is acidic and polar, with glutamine, which is neutral and polar, at codon 211 of the PLTP protein (p.Glu211Gln). This variant is present in population databases (rs370983158, gnomAD 0.04%). This variant has not been reported in the literature in individuals affected with PLTP-related conditions. ClinVar contains an entry for this variant (Variation ID: 2513809). An algorithm developed to predict the effect of missense changes on protein structure and function outputs the following: PolyPhen-2: "Benign". The glutamine amino acid residue is found in multiple mammalian species, which suggests that this missense change does not adversely affect protein function. In summary, the available evidence is currently insufficient to determine the role of this variant in disease. Therefore, it has been classified as a Variant of Uncertain Significance.

Ambry Genetics
Classification: Uncertain significance. Last evaluated: 2023-03-22. Review status: criteria provided, single submitter. Criteria: Ambry Variant Classification Scheme 2023. Collection method: clinical testing. Allele origin: germline.

NM_006227.4(PLTP):c.631G>C (p.Glu211Gln)

Gene: PLTP (phospholipid transfer protein; minus strand). Cytogenetic location: 20q13.12.
Variant type: single nucleotide variant.
Coding change: c.631G>C on transcript NM_006227.4 (MANE Select); coding-DNA position 631, G replaced by C.
Protein change: p.Glu211Gln; replaces glutamic acid 211 with glutamine.
Molecular consequence: missense variant.
Genome position (GRCh38, 1-based): chr20:45,906,342, C>G on the plus strand (G>C on the coding strand, the complement: PLTP is on the minus strand). VCF-style: chr20-45906342-C-G. GRCh37 (hg19) VCF-style: chr20-44534981-C-G.
Other names: c.346G>C, p.Glu116Gln (NM_001242920.2); c.367G>C, p.Glu123Gln (NM_001242921.1); c.475G>C, p.Glu159Gln (NM_182676.3); short protein forms E123Q, E159Q, E116Q, E211Q.
Identifiers: ClinVar variation 2513809 (VCV002513809.3), dbSNP rs370983158, ClinGen allele CA9883770.